The following is an entry in ClinVar:

NM_001197104.2(KMT2A):c.2368A>G (p.Ser790Gly)

Gene: KMT2A (lysine methyltransferase 2A; plus strand). Cytogenetic location: 11q23.3.
Variant type: single nucleotide variant.
Coding change: c.2368A>G on transcript NM_001197104.2 (MANE Select); coding-DNA position 2368, A replaced by G.
Protein change: p.Ser790Gly; replaces serine 790 with glycine.
Molecular consequence: missense variant.
Genome position (GRCh38, 1-based): chr11:118,473,527, A>G. VCF-style: chr11-118473527-A-G. GRCh37 (hg19) VCF-style: chr11-118344242-A-G.
Other names: c.2467A>G, p.Ser823Gly (NM_001412597.1); c.2368A>G, p.Ser790Gly (NM_005933.4); short protein forms S790G, S823G.
Identifiers: ClinVar variation 4800522 (VCV004800522.1).

ClinVar aggregate classification (germline): Uncertain significance (1 of 4 stars; one submission).

Submission:

Labcorp Genetics (formerly Invitae), Labcorp
Classification: Uncertain significance. Last evaluated: 2025-09-01. Review status: criteria provided, single submitter. Criteria: Invitae Variant Classification Sherloc (09022015). Collection method: clinical testing. Allele origin: germline.
Comment: This sequence change replaces serine, which is neutral and polar, with glycine, which is neutral and non-polar, at codon 790 of the KMT2A protein (p.Ser790Gly). This variant is not present in population databases (gnomAD no frequency). This variant has not been reported in the literature in individuals affected with KMT2A-related conditions. Invitae Evidence Modeling of protein sequence and biophysical properties (such as structural, functional, and spatial information, amino acid conservation, physicochemical variation, residue mobility, and thermodynamic stability) has been performed for this missense variant. However, the output from this modeling did not meet the statistical confidence thresholds required to predict the impact of this variant on KMT2A protein function. In summary, the available evidence is currently insufficient to determine the role of this variant in disease. Therefore, it has been classified as a Variant of Uncertain Significance.